The following is an entry in ClinVar:

NM_000180.4(GUCY2D):c.232C>T (p.Arg78Cys)

Gene: GUCY2D (guanylate cyclase 2D, retinal; plus strand). Cytogenetic location: 17p13.1.
Variant type: single nucleotide variant.
Coding change: c.232C>T on transcript NM_000180.4 (MANE Select); coding-DNA position 232, C replaced by T.
Protein change: p.Arg78Cys; replaces arginine 78 with cysteine.
Molecular consequence: missense variant.
Genome position (GRCh38, 1-based): chr17:8,003,279, C>T. VCF-style: chr17-8003279-C-T. GRCh37 (hg19) VCF-style: chr17-7906597-C-T.
Other names: short protein forms R78C.
Identifiers: ClinVar variation 998793 (VCV000998793.6), dbSNP rs558294899, ClinGen allele CA287523070.

ClinVar aggregate classification (germline): Uncertain significance (1 of 4 stars; one submission).

Conditions:
Cone-rod dystrophy 6 (CORD6). Also called: Cone dystrophy progressive; RETINAL CONE DYSTROPHY 2. Identifiers: Orphanet 1872, MedGen C1866293, MONDO:0011143, OMIM 601777.
Leber congenital amaurosis 1 (LCA1). Also called: RETINAL BLINDNESS, CONGENITAL; AMAUROSIS CONGENITA OF LEBER I; Congenital absence of the rods and cones; Leber's congenital tapetoretinal degeneration; Leber's congenital tapetoretinal dysplasia. Identifiers: Orphanet 65, MedGen C2931258, MONDO:0008764, OMIM 204000.

Allele frequency attached by ClinVar (database versions not stated): gnomAD 0.00002; TOPMed 0.00002.
gnomAD v4.1: 9 of 1,494,264 alleles (0.0006%); highest among the groups gnomAD compares: Non-Finnish European, 0.0008%; no homozygotes.

Submission:

Labcorp Genetics (formerly Invitae), Labcorp
Classification: Uncertain significance for Leber congenital amaurosis 1; Cone-rod dystrophy 6. Last evaluated: 2021-08-31. Review status: criteria provided, single submitter. Criteria: Invitae Variant Classification Sherloc (09022015). Collection method: clinical testing. Allele origin: germline.
Comment: This sequence change replaces arginine with cysteine at codon 78 of the GUCY2D protein (p.Arg78Cys). The arginine residue is highly conserved and there is a large physicochemical difference between arginine and cysteine. The frequency data for this variant in the population databases is considered unreliable, as metrics indicate insufficient coverage at this position in the ExAC database. This variant has not been reported in the literature in individuals affected with GUCY2D-related conditions. Algorithms developed to predict the effect of missense changes on protein structure and function are either unavailable or do not agree on the potential impact of this missense change (SIFT: "Deleterious"; PolyPhen-2: "Possibly Damaging"; Align-GVGD: "Class C0"). In summary, the available evidence is currently insufficient to determine the role of this variant in disease. Therefore, it has been classified as a Variant of Uncertain Significance.